The following is an entry in ClinVar:

ClinVar aggregate classification (germline): Uncertain significance (1 of 4 stars; one submission).

Conditions:
Leber congenital amaurosis 3 (LCA3). Also called: SPATA7-Related Retinitis Pigmentosa. Identifiers: MedGen C1858677, MONDO:0011415, OMIM 604232.

Submission:

Labcorp Genetics (formerly Invitae), Labcorp
Classification: Uncertain significance for Leber congenital amaurosis 3. Last evaluated: 2024-11-04. Review status: criteria provided, single submitter. Criteria: Invitae Variant Classification Sherloc (09022015). Collection method: clinical testing. Allele origin: germline.
Comment: This sequence change replaces phenylalanine, which is neutral and non-polar, with leucine, which is neutral and non-polar, at codon 252 of the SPATA7 protein (p.Phe252Leu). This variant is not present in population databases (gnomAD no frequency). This variant has not been reported in the literature in individuals affected with SPATA7-related conditions. ClinVar contains an entry for this variant (Variation ID: 948565). Invitae Evidence Modeling of protein sequence and biophysical properties (such as structural, functional, and spatial information, amino acid conservation, physicochemical variation, residue mobility, and thermodynamic stability) indicates that this missense variant is expected to disrupt SPATA7 protein function with a positive predictive value of 80%. In summary, the available evidence is currently insufficient to determine the role of this variant in disease. Therefore, it has been classified as a Variant of Uncertain Significance.

NM_018418.5(SPATA7):c.754T>C (p.Phe252Leu)

Gene: SPATA7 (spermatogenesis associated 7; plus strand). Cytogenetic location: 14q31.3.
Variant type: single nucleotide variant.
Coding change: c.754T>C on transcript NM_018418.5 (MANE Select); coding-DNA position 754, T replaced by C.
Protein change: p.Phe252Leu; replaces phenylalanine 252 with leucine.
Molecular consequence: missense variant.
Genome position (GRCh38, 1-based): chr14:88,426,613, T>C. VCF-style: chr14-88426613-T-C. GRCh37 (hg19) VCF-style: chr14-88892957-T-C.
Other names: c.658T>C, p.Phe220Leu (NM_001040428.4); short protein forms F252L, F220L.
Identifiers: ClinVar variation 948565 (VCV000948565.9), dbSNP rs2076800643, ClinGen allele CA390564379.